The following is an entry in ClinVar:

ClinVar aggregate classification (germline): Likely benign. Review status: criteria provided, multiple submitters, no conflicts (2 of 4 stars). 4 submissions from 4 submitters: Likely benign (4). Last evaluated 2026-06-01.

Conditions:
Cardiovascular phenotype. Identifiers: MedGen CN230736.

Allele frequency attached by ClinVar (database versions not stated): ExAC 0.00026; 1000 Genomes Project 30x 0.00031; 1000 Genomes Project 0.00040; gnomAD 0.00043 and 0.00048; TOPMed 0.00050.
gnomAD v4.1: 153 of 1,550,012 alleles (0.0099%); highest among the groups gnomAD compares: African/African-American, 0.2%; 2 homozygotes.

Submissions (4):

CeGaT Center for Human Genetics Tuebingen
Classification: Likely benign. Last evaluated: 2026-06-01. Review status: criteria provided, single submitter. Criteria: CeGaT Center For Human Genetics Tuebingen Variant Classification Criteria Version 2. Collection method: clinical testing. Allele origin: germline. Affected: yes. Observed: 1 variant allele.
Comment: ZNF469: BP4, BP7

Labcorp Genetics (formerly Invitae), Labcorp
Classification: Likely benign. Last evaluated: 2026-01-13. Review status: criteria provided, single submitter. Criteria: Invitae Variant Classification Sherloc (09022015). Collection method: clinical testing. Allele origin: germline.

Ambry Genetics
Classification: Likely benign for Cardiovascular phenotype. Last evaluated: 2019-09-05. Review status: criteria provided, single submitter. Criteria: Ambry Variant Classification Scheme 2023. Collection method: clinical testing. Allele origin: germline.

GeneDx
Classification: Likely benign. Last evaluated: 2019-01-23. Review status: criteria provided, single submitter. Criteria: GeneDx Variant Classification Process June 2021. Collection method: clinical testing. Allele origin: germline. Affected: yes.

NM_001367624.2(ZNF469):c.519C>G (p.Pro173=)

Gene: ZNF469 (zinc finger protein 469; plus strand). Cytogenetic location: 16q24.2.
Variant type: single nucleotide variant.
Coding change: c.519C>G on transcript NM_001367624.2 (MANE Select); coding-DNA position 519, C replaced by G.
Protein change: p.Pro173=; no amino-acid change (proline 173 retained).
Molecular consequence: synonymous variant.
Genome position (GRCh38, 1-based): chr16:88,427,989, C>G. VCF-style: chr16-88427989-C-G. GRCh37 (hg19) VCF-style: chr16-88494397-C-G.
Other names: NM_001127464.1:c.519C>G.
Identifiers: ClinVar variation 390364 (VCV000390364.15), dbSNP rs530740920, ClinGen allele CA8224594.